The following is an entry in ClinVar:

ClinVar aggregate classification (germline): Likely benign. Review status: criteria provided, multiple submitters, no conflicts (2 of 4 stars). 2 submissions from 2 submitters: Likely benign (2). Last evaluated 2025-10-23.

Conditions:
PEX6-related disorder. Also called: PEX6-related condition; PEX6-related disorders.
Peroxisome biogenesis disorder. Identifiers: Orphanet 79189, MedGen C1832200, MONDO:0019234. Disease mechanism: loss of function.

Submissions (2):

PreventionGenetics, part of Exact Sciences
Classification: Likely benign for PEX6-related condition. Last evaluated: 2025-10-23. Review status: criteria provided, single submitter. Criteria: ACMG Guidelines, 2015. Collection method: clinical testing. Allele origin: germline.
Comment: This variant is classified as likely benign based on ACMG/AMP sequence variant interpretation guidelines (Richards et al. 2015 PMID: 25741868, with internal and published modifications).

Labcorp Genetics (formerly Invitae), Labcorp
Classification: Likely benign for Peroxisome biogenesis disorder. Last evaluated: 2023-11-02. Review status: criteria provided, single submitter. Criteria: Invitae Variant Classification Sherloc (09022015). Collection method: clinical testing. Allele origin: germline.

NM_000287.4(PEX6):c.1788G>A (p.Leu596=)

Gene: PEX6 (peroxisomal biogenesis factor 6; minus strand). Cytogenetic location: 6p21.1.
Variant type: single nucleotide variant.
Coding change: c.1788G>A on transcript NM_000287.4 (MANE Select); coding-DNA position 1788, G replaced by A.
Protein change: p.Leu596=; no amino-acid change (leucine 596 retained).
Molecular consequence: synonymous variant. On other transcripts: non-coding transcript variant (1).
Genome position (GRCh38, 1-based): chr6:42,967,464, C>T on the plus strand (G>A on the coding strand, the complement: PEX6 is on the minus strand). VCF-style: chr6-42967464-C-T. GRCh37 (hg19) VCF-style: chr6-42935202-C-T.
Other names: c.1788G>A (NM_000287.3); c.1524G>A, p.Leu508= (NM_001316313.2).
Identifiers: ClinVar variation 1147104 (VCV001147104.10), dbSNP rs2114242620, ClinGen allele CA450253613.